The following is an entry in ClinVar:

NM_000161.3(GCH1):c.*93G>A

Gene: GCH1 (GTP cyclohydrolase 1; minus strand). Cytogenetic location: 14q22.2.
Variant type: single nucleotide variant.
Coding change: c.*93G>A on transcript NM_000161.3 (MANE Select); 93 bases downstream of the stop codon, G replaced by A.
Molecular consequence: 3 prime UTR variant. On other transcripts: intron variant (3).
Genome position (GRCh38, 1-based): chr14:54,843,924, C>T on the plus strand (G>A on the coding strand, the complement: GCH1 is on the minus strand). VCF-style: chr14-54843924-C-T. GRCh37 (hg19) VCF-style: chr14-55310642-C-T.
Other names: c.627-870G>A (NM_001024071.2); c.627-55G>A (NM_001024070.2); c.*16+77G>A (NM_001024024.2).
Identifiers: ClinVar variation 881768 (VCV000881768.8), dbSNP rs41298438, ClinGen allele CA260542824.

ClinVar aggregate classification (germline): Conflicting classifications of pathogenicity. Review status: criteria provided, conflicting classifications (1 of 4 stars). 4 submissions from 3 submitters: Uncertain significance (1); Benign (1); Likely benign (2). Last evaluated 2019-09-08.

Conditions:
Dystonia 5 (DRD). Also called: GTP Cyclohydrolase 1-Deficient Dopa-Responsive Dystonia; Dystonia, DOPA-responsive, with or without hyperphenylalaninemia; DYT-GCH1; DYSTONIA, PROGRESSIVE, WITH DIURNAL VARIATION; DYSTONIA-PARKINSONISM WITH DIURNAL FLUCTUATION. Identifiers: Orphanet 98808, MedGen C1851920, MONDO:0007495, OMIM 128230.
GTP cyclohydrolase I deficiency. Identifiers: MedGen C0268467, MONDO:0100184.

Allele frequency attached by ClinVar (database versions not stated): 1000 Genomes Project 30x 0.00094; 1000 Genomes Project 0.00100; ESP Exome Variant Server 0.00110; TOPMed 0.00144; gnomAD 0.00220 and 0.00249; gnomAD exomes 0.00235.
gnomAD v4.1: 3,744 of 1,612,534 alleles (0.23%); highest among the groups gnomAD compares: Non-Finnish European, 0.25%; 9 homozygotes.

Submissions (4):

GeneDx
Classification: Likely benign. Last evaluated: 2019-09-08. Review status: criteria provided, single submitter. Criteria: GeneDx Variant Classification Process June 2021. Collection method: clinical testing. Allele origin: germline. Affected: yes.

Blueprint Genetics
Classification: Likely benign. Last evaluated: 2018-05-10. Review status: criteria provided, single submitter. Criteria: ACMG Guidelines, 2015. Collection method: clinical testing. Allele origin: germline.

Illumina Laboratory Services, Illumina
Classification: Benign for Dystonia 5. Last evaluated: 2018-01-12. Review status: criteria provided, single submitter. Criteria: ICSL Variant Classification Criteria 13 December 2019. Collection method: clinical testing. Allele origin: germline.
Comment: This variant was observed in the ICSL laboratory as part of a predisposition screen in an ostensibly healthy population. It had not been previously curated by ICSL or reported in the Human Gene Mutation Database (HGMD: prior to June 1st, 2018), and was therefore a candidate for classification through an automated scoring system. Utilizing variant allele frequency, disease prevalence and penetrance estimates, and inheritance mode, an automated score was calculated to assess if this variant is too frequent to cause the disease. Based on the score and internal cut-off values, a variant classified as benign is not then subjected to further curation. The score for this variant resulted in a classification of benign for this disease.

Illumina Laboratory Services, Illumina
Classification: Uncertain significance for GTP cyclohydrolase I deficiency with hyperphenylalaninemia. Last evaluated: 2018-01-12. Review status: criteria provided, single submitter. Criteria: ICSL Variant Classification Criteria 13 December 2019. Collection method: clinical testing. Allele origin: germline.